The following is an entry in ClinVar:

ClinVar aggregate classification (germline): Uncertain significance (1 of 4 stars; one submission).

Conditions:
Charcot-Marie-Tooth disease type 4. Also called: Charcot-Marie-Tooth, Type 4; Charcot-Marie-Tooth disease, type IV. Identifiers: Orphanet 64749, MedGen C4082197, MONDO:0018995.

gnomAD v4.1: 3 of 1,612,450 alleles (0.00019%); highest among the groups gnomAD compares: Admixed American, 0.005%; no homozygotes.

Submission:

Labcorp Genetics (formerly Invitae), Labcorp
Classification: Uncertain significance for Charcot-Marie-Tooth disease type 4. Last evaluated: 2022-06-26. Review status: criteria provided, single submitter. Criteria: Invitae Variant Classification Sherloc (09022015). Collection method: clinical testing. Allele origin: germline.
Comment: In summary, the available evidence is currently insufficient to determine the role of this variant in disease. Therefore, it has been classified as a Variant of Uncertain Significance. Algorithms developed to predict the effect of sequence changes on RNA splicing suggest that this variant may disrupt the consensus splice site. Advanced modeling of protein sequence and biophysical properties (such as structural, functional, and spatial information, amino acid conservation, physicochemical variation, residue mobility, and thermodynamic stability) performed at Invitae indicates that this missense variant is not expected to disrupt MTMR2 protein function. This variant has not been reported in the literature in individuals affected with MTMR2-related conditions. This variant is not present in population databases (gnomAD no frequency). This sequence change replaces arginine, which is basic and polar, with glycine, which is neutral and non-polar, at codon 586 of the MTMR2 protein (p.Arg586Gly).

NM_016156.6(MTMR2):c.1756C>G (p.Arg586Gly)

Gene: MTMR2 (myotubularin related protein 2; minus strand). Cytogenetic location: 11q21.
Variant type: single nucleotide variant.
Coding change: c.1756C>G on transcript NM_016156.6 (MANE Select); coding-DNA position 1756, C replaced by G.
Protein change: p.Arg586Gly; replaces arginine 586 with glycine.
Molecular consequence: missense variant.
Genome position (GRCh38, 1-based): chr11:95,836,162, G>C on the plus strand (C>G on the coding strand, the complement: MTMR2 is on the minus strand). VCF-style: chr11-95836162-G-C. GRCh37 (hg19) VCF-style: chr11-95569326-G-C.
Other names: c.1540C>G, p.Arg514Gly (NM_201278.3, NM_201281.3, NM_001243571.2); short protein forms R514G, R586G.
Identifiers: ClinVar variation 2067131 (VCV002067131.4), dbSNP rs61735577, ClinGen allele CA382413790.